The following is an entry in ClinVar:

ClinVar aggregate classification (germline): Uncertain significance (1 of 4 stars; one submission).

Allele frequency attached by ClinVar (database versions not stated): TOPMed below 0.00001; gnomAD exomes 0.00002 and 0.00003; ExAC 0.00003.
gnomAD v4.1: 39 of 1,609,360 alleles (0.0024%); highest among the groups gnomAD compares: South Asian, 0.021%; no homozygotes.

Submission:

Labcorp Genetics (formerly Invitae), Labcorp
Classification: Uncertain significance. Last evaluated: 2024-08-19. Review status: criteria provided, single submitter. Criteria: Invitae Variant Classification Sherloc (09022015). Collection method: clinical testing. Allele origin: germline.
Comment: This sequence change replaces arginine, which is basic and polar, with cysteine, which is neutral and slightly polar, at codon 470 of the GEN1 protein (p.Arg470Cys). This variant is present in population databases (rs754490164, gnomAD 0.02%). This variant has not been reported in the literature in individuals affected with GEN1-related conditions. ClinVar contains an entry for this variant (Variation ID: 1017152). An algorithm developed to predict the effect of missense changes on protein structure and function (PolyPhen-2) suggests that this variant is likely to be tolerated. In summary, the available evidence is currently insufficient to determine the role of this variant in disease. Therefore, it has been classified as a Variant of Uncertain Significance.

NM_001130009.3(GEN1):c.1408C>T (p.Arg470Cys)

Gene: GEN1 (GEN1 structure-specific endonuclease; plus strand). Cytogenetic location: 2p24.2.
Variant type: single nucleotide variant.
Coding change: c.1408C>T on transcript NM_001130009.3 (MANE Select); coding-DNA position 1408, C replaced by T.
Protein change: p.Arg470Cys; replaces arginine 470 with cysteine.
Molecular consequence: missense variant.
Genome position (GRCh38, 1-based): chr2:17,780,121, C>T. VCF-style: chr2-17780121-C-T. GRCh37 (hg19) VCF-style: chr2-17961388-C-T.
Other names: c.1408C>T, p.Arg470Cys (NM_182625.5); short protein forms R470C.
Identifiers: ClinVar variation 1017152 (VCV001017152.10), dbSNP rs754490164, ClinGen allele CA1540753.